The following is an entry in ClinVar:

ClinVar aggregate classification (germline): Uncertain significance. Review status: criteria provided, multiple submitters, no conflicts (2 of 4 stars). 2 submissions from 2 submitters: Uncertain significance (2). Last evaluated 2024-03-31.

Conditions:
Immunodeficiency due to CD25 deficiency. Also called: CD25 DEFICIENCY; IL2RA DEFICIENCY; IMMUNODEFICIENCY 41 WITH LYMPHOPROLIFERATION AND AUTOIMMUNITY. Identifiers: Orphanet 169100, MedGen C1853392, MONDO:0011664, OMIM 606367.

Allele frequency attached by ClinVar (database versions not stated): gnomAD exomes below 0.00001; TOPMed below 0.00001.
gnomAD v4.1: 7 of 1,614,140 alleles (0.00043%); highest among the groups gnomAD compares: Middle Eastern, 0.016%; no homozygotes.

Submissions (2):

Ambry Genetics
Classification: Uncertain significance. Last evaluated: 2024-03-31. Review status: criteria provided, single submitter. Criteria: Ambry Variant Classification Scheme 2023. Collection method: clinical testing. Allele origin: germline.

Labcorp Genetics (formerly Invitae), Labcorp
Classification: Uncertain significance for Immunodeficiency due to CD25 deficiency. Last evaluated: 2023-01-15. Review status: criteria provided, single submitter. Criteria: Invitae Variant Classification Sherloc (09022015). Collection method: clinical testing. Allele origin: germline.
Comment: In summary, the available evidence is currently insufficient to determine the role of this variant in disease. Therefore, it has been classified as a Variant of Uncertain Significance. Advanced modeling of protein sequence and biophysical properties (such as structural, functional, and spatial information, amino acid conservation, physicochemical variation, residue mobility, and thermodynamic stability) performed at Invitae indicates that this missense variant is not expected to disrupt IL2RA protein function. This variant has not been reported in the literature in individuals affected with IL2RA-related conditions. This variant is not present in population databases (gnomAD no frequency). This sequence change replaces glutamic acid, which is acidic and polar, with glycine, which is neutral and non-polar, at codon 100 of the IL2RA protein (p.Glu100Gly).

NM_000417.3(IL2RA):c.299A>G (p.Glu100Gly)

Gene: IL2RA (interleukin 2 receptor subunit alpha; minus strand). Cytogenetic location: 10p15.1.
Variant type: single nucleotide variant.
Coding change: c.299A>G on transcript NM_000417.3 (MANE Select); coding-DNA position 299, A replaced by G.
Protein change: p.Glu100Gly; replaces glutamic acid 100 with glycine.
Molecular consequence: missense variant.
Genome position (GRCh38, 1-based): chr10:6,024,312, T>C on the plus strand (A>G on the coding strand, the complement: IL2RA is on the minus strand). VCF-style: chr10-6024312-T-C. GRCh37 (hg19) VCF-style: chr10-6066275-T-C.
Other names: c.299A>G, p.Glu100Gly (NM_001308242.2, NM_001308243.2); short protein forms E100G.
Identifiers: ClinVar variation 3016816 (VCV003016816.2), dbSNP rs1839442132, ClinGen allele CA375928332.